The following is an entry in ClinVar:

NM_020919.4(ALS2):c.3280A>G (p.Met1094Val)

Gene: ALS2 (alsin Rho guanine nucleotide exchange factor ALS2; minus strand). Cytogenetic location: 2q33.1.
Variant type: single nucleotide variant.
Coding change: c.3280A>G on transcript NM_020919.4 (MANE Select); coding-DNA position 3280, A replaced by G.
Protein change: p.Met1094Val; replaces methionine 1094 with valine.
Molecular consequence: missense variant.
Genome position (GRCh38, 1-based): chr2:201,725,423, T>C on the plus strand (A>G on the coding strand, the complement: ALS2 is on the minus strand). VCF-style: chr2-201725423-T-C. GRCh37 (hg19) VCF-style: chr2-202590146-T-C.
Other names: short protein forms M1094V.
Identifiers: ClinVar variation 956744 (VCV000956744.10), dbSNP rs772708880, ClinGen allele CA2057924.

ClinVar aggregate classification (germline): Uncertain significance. Review status: criteria provided, multiple submitters, no conflicts (2 of 4 stars). 2 submissions from 2 submitters: Uncertain significance (2). Last evaluated 2024-02-17.

Conditions:
Inborn genetic diseases. Identifiers: MedGen C0950123, MeSH D030342.
Infantile-onset ascending hereditary spastic paralysis (IAHSP). Also called: Autosomal Recessive Juvenile Amyotrophic Lateral Sclerosis; Infantile-Onset Ascending Hereditary Spastic Paralysis (IAHSP). Identifiers: Orphanet 293168, MedGen C2931441, MONDO:0011797, OMIM 607225. Disease mechanism: loss of function.

Allele frequency attached by ClinVar (database versions not stated): ExAC 0.00001; TOPMed 0.00001; gnomAD exomes 0.00002.

Submissions (2):

Labcorp Genetics (formerly Invitae), Labcorp
Classification: Uncertain significance for Infantile-onset ascending hereditary spastic paralysis. Last evaluated: 2024-02-17. Review status: criteria provided, single submitter. Criteria: Invitae Variant Classification Sherloc (09022015). Collection method: clinical testing. Allele origin: germline.
Comment: This sequence change replaces methionine, which is neutral and non-polar, with valine, which is neutral and non-polar, at codon 1094 of the ALS2 protein (p.Met1094Val). This variant is present in population databases (rs772708880, gnomAD 0.01%). This variant has not been reported in the literature in individuals affected with ALS2-related conditions. ClinVar contains an entry for this variant (Variation ID: 956744). Advanced modeling of protein sequence and biophysical properties (such as structural, functional, and spatial information, amino acid conservation, physicochemical variation, residue mobility, and thermodynamic stability) performed at Invitae indicates that this missense variant is not expected to disrupt ALS2 protein function with a negative predictive value of 80%. In summary, the available evidence is currently insufficient to determine the role of this variant in disease. Therefore, it has been classified as a Variant of Uncertain Significance.

Ambry Genetics
Classification: Uncertain significance for Inborn genetic diseases. Last evaluated: 2022-11-10. Review status: criteria provided, single submitter. Criteria: Ambry Variant Classification Scheme 2023. Collection method: clinical testing. Allele origin: germline.